The following is an entry in ClinVar:

NM_024757.5(EHMT1):c.1177G>T (p.Gly393Trp)

Gene: EHMT1 (euchromatic histone lysine methyltransferase 1; plus strand). Cytogenetic location: 9q34.3.
Variant type: single nucleotide variant.
Coding change: c.1177G>T on transcript NM_024757.5 (MANE Select); coding-DNA position 1177, G replaced by T.
Protein change: p.Gly393Trp; replaces glycine 393 with tryptophan.
Molecular consequence: missense variant.
Genome position (GRCh38, 1-based): chr9:137,752,337, G>T. VCF-style: chr9-137752337-G-T. GRCh37 (hg19) VCF-style: chr9-140646789-G-T.
Other names: c.1177G>T, p.Gly393Trp (NM_001145527.2, NM_001354611.2); c.1084G>T, p.Gly362Trp (NM_001354259.2, NM_001354612.2); c.1156G>T, p.Gly386Trp (NM_001354263.2); short protein forms G393W, G362W, G386W.
Identifiers: ClinVar variation 531849 (VCV000531849.12), dbSNP rs772187480, ClinGen allele CA375761228.

ClinVar aggregate classification (germline): Uncertain significance (1 of 4 stars; one submission).

Conditions:
Kleefstra syndrome 1 (KLEFS1). Identifiers: Orphanet 261494, MedGen C0795833, MONDO:0027407, OMIM 610253.

Submission:

Labcorp Genetics (formerly Invitae), Labcorp
Classification: Uncertain significance for Kleefstra syndrome 1. Last evaluated: 2022-06-20. Review status: criteria provided, single submitter. Criteria: Invitae Variant Classification Sherloc (09022015). Collection method: clinical testing. Allele origin: germline.
Comment: ClinVar contains an entry for this variant (Variation ID: 531849). This variant has not been reported in the literature in individuals affected with EHMT1-related conditions. This variant is not present in population databases (gnomAD no frequency). This sequence change replaces glycine, which is neutral and non-polar, with tryptophan, which is neutral and slightly polar, at codon 393 of the EHMT1 protein (p.Gly393Trp). In summary, the available evidence is currently insufficient to determine the role of this variant in disease. Therefore, it has been classified as a Variant of Uncertain Significance. Algorithms developed to predict the effect of missense changes on protein structure and function are either unavailable or do not agree on the potential impact of this missense change (SIFT: "Deleterious"; PolyPhen-2: "Probably Damaging"; Align-GVGD: "Class C0").